The following is an entry in ClinVar:

ClinVar aggregate classification (germline): Uncertain significance (1 of 4 stars; one submission).

gnomAD v4.1: 1 of 1,612,662 alleles (0.000062%); highest among the groups gnomAD compares: Non-Finnish European, 0.000085%; no homozygotes.

Submission:

Ambry Genetics
Classification: Uncertain significance. Last evaluated: 2026-01-16. Review status: criteria provided, single submitter. Criteria: Ambry Variant Classification Scheme 2023. Collection method: clinical testing. Allele origin: germline.
Comment: The p.L820P variant (also known as c.2459T>C), located in coding exon 11 of the WNK2 gene, results from a T to C substitution at nucleotide position 2459. The leucine at codon 820 is replaced by proline, an amino acid with similar properties. This amino acid position is conserved. In addition, the in silico prediction for this alteration is inconclusive. Based on the available evidence, the clinical significance of this variant remains unclear.

NM_006648.4(WNK2):c.2459T>C (p.Leu820Pro)

Gene: WNK2 (WNK lysine deficient protein kinase 2; plus strand). Cytogenetic location: 9q22.31.
Variant type: single nucleotide variant.
Coding change: c.2459T>C on transcript NM_006648.4 (MANE Select); coding-DNA position 2459, T replaced by C.
Protein change: p.Leu820Pro; replaces leucine 820 with proline.
Molecular consequence: missense variant.
Genome position (GRCh38, 1-based): chr9:93,259,007, T>C. VCF-style: chr9-93259007-T-C. GRCh37 (hg19) VCF-style: chr9-96021289-T-C.
Other names: c.2459T>C, p.Leu820Pro (NM_001282394.3); short protein forms L820P.
Identifiers: ClinVar variation 4844848 (VCV004844848.1).